The following is an entry in ClinVar:

NM_001040108.2(MLH3):c.3887A>G (p.Asp1296Gly)

Gene: MLH3 (mutL homolog 3; minus strand). Cytogenetic location: 14q24.3.
Variant type: single nucleotide variant.
Coding change: c.3887A>G on transcript NM_001040108.2 (MANE Select); coding-DNA position 3887, A replaced by G.
Protein change: p.Asp1296Gly; replaces aspartic acid 1296 with glycine.
Molecular consequence: missense variant.
Genome position (GRCh38, 1-based): chr14:75,030,643, T>C on the plus strand (A>G on the coding strand, the complement: MLH3 is on the minus strand). VCF-style: chr14-75030643-T-C. GRCh37 (hg19) VCF-style: chr14-75497346-T-C.
Other names: c.3815A>G, p.Asp1272Gly (NM_014381.3); short protein forms D1272G, D1296G.
Identifiers: ClinVar variation 1360419 (VCV001360419.12), dbSNP rs373332183, ClinGen allele CA7275304.

ClinVar aggregate classification (germline): Uncertain significance. Review status: criteria provided, multiple submitters, no conflicts (2 of 4 stars). 2 submissions from 2 submitters: Uncertain significance (2). Last evaluated 2025-11-09.

Conditions:
Colorectal cancer, hereditary nonpolyposis, type 7. Identifiers: Orphanet 144, MedGen C1858380, MONDO:0013725, OMIM 614385.

Allele frequency attached by ClinVar (database versions not stated): ExAC 0.00001; TOPMed 0.00001; gnomAD 0.00002; ESP Exome Variant Server 0.00008.
gnomAD v4.1: 7 of 1,613,884 alleles (0.00043%); highest among the groups gnomAD compares: Non-Finnish European, 0.00059%; no homozygotes.

Submissions (2):

Ambry Genetics
Classification: Uncertain significance. Last evaluated: 2025-11-09. Review status: criteria provided, single submitter. Criteria: Ambry Variant Classification Scheme 2023. Collection method: clinical testing. Allele origin: germline.
Comment: The p.D1296G variant (also known as c.3887A>G), located in coding exon 8 of the MLH3 gene, results from an A to G substitution at nucleotide position 3887. The aspartic acid at codon 1296 is replaced by glycine, an amino acid with similar properties. This amino acid position is conserved. In addition, this alteration is predicted to be tolerated by in silico analysis. Since supporting evidence is limited at this time, the clinical significance of this alteration remains unclear.

Labcorp Genetics (formerly Invitae), Labcorp
Classification: Uncertain significance for Colorectal cancer, hereditary nonpolyposis, type 7. Last evaluated: 2024-11-22. Review status: criteria provided, single submitter. Criteria: Invitae Variant Classification Sherloc (09022015). Collection method: clinical testing. Allele origin: germline.
Comment: This sequence change replaces aspartic acid, which is acidic and polar, with glycine, which is neutral and non-polar, at codon 1296 of the MLH3 protein (p.Asp1296Gly). This variant is present in population databases (rs373332183, gnomAD 0.0009%). This variant has not been reported in the literature in individuals affected with MLH3-related conditions. ClinVar contains an entry for this variant (Variation ID: 1360419). An algorithm developed to predict the effect of missense changes on protein structure and function (PolyPhen-2) suggests that this variant is likely to be tolerated. In summary, the available evidence is currently insufficient to determine the role of this variant in disease. Therefore, it has been classified as a Variant of Uncertain Significance.